The following is an entry in ClinVar:

ClinVar aggregate classification (germline): Benign/Likely benign. Review status: criteria provided, multiple submitters, no conflicts (2 of 4 stars). 4 submissions from 4 submitters: Benign (1); Likely benign (3). Last evaluated 2026-06-01.

Allele frequency attached by ClinVar (database versions not stated): 1000 Genomes Project 30x 0.00172; 1000 Genomes Project 0.00180; TOPMed 0.00361; gnomAD 0.00389 and 0.00393; ESP Exome Variant Server 0.00431; gnomAD exomes 0.00462 and 0.00630; ExAC 0.00558.
gnomAD v4.1: 9,848 of 1,614,160 alleles (0.61%); highest among the groups gnomAD compares: Non-Finnish European, 0.72%; 44 homozygotes.

Submissions (4):

CeGaT Center for Human Genetics Tuebingen
Classification: Likely benign. Last evaluated: 2026-06-01. Review status: criteria provided, single submitter. Criteria: CeGaT Center For Human Genetics Tuebingen Variant Classification Criteria Version 2. Collection method: clinical testing. Allele origin: germline. Affected: yes. Observed: 6 variant alleles.
Comment: ADH1C: BP4, BS2

Genomic Medicine Center of Excellence, King Faisal Specialist Hospital and Research Centre
Classification: Likely benign. Last evaluated: 2025-08-18. Review status: criteria provided, single submitter. Criteria: ACMG Guidelines, 2015. Collection method: clinical testing. Allele origin: germline.

Labcorp Genetics (formerly Invitae), Labcorp
Classification: Benign. Last evaluated: 2018-04-03. Review status: criteria provided, single submitter. Criteria: Invitae Variant Classification Sherloc (09022015). Collection method: clinical testing. Allele origin: germline.

Breakthrough Genomics
Classification: Likely benign. Review status: criteria provided, single submitter. Criteria: ACMG Guidelines, 2015. Collection method: not provided. Allele origin: germline. Inheritance: Autosomal dominant inheritance. Affected: yes.

NM_000669.5(ADH1C):c.522C>T (p.Gly174=)

Gene: ADH1C (alcohol dehydrogenase 1C (class I), gamma polypeptide; minus strand). Cytogenetic location: 4q23.
Variant type: single nucleotide variant.
Coding change: c.522C>T on transcript NM_000669.5 (MANE Select); coding-DNA position 522, C replaced by T.
Protein change: p.Gly174=; no amino-acid change (glycine 174 retained).
Molecular consequence: synonymous variant. On other transcripts: non-coding transcript variant (1).
Genome position (GRCh38, 1-based): chr4:99,344,907, G>A on the plus strand (C>T on the coding strand, the complement: ADH1C is on the minus strand). VCF-style: chr4-99344907-G-A. GRCh37 (hg19) VCF-style: chr4-100266064-G-A.
Identifiers: ClinVar variation 776589 (VCV000776589.39), dbSNP rs55717907, ClinGen allele CA3020389.